The following is an entry in ClinVar:

ClinVar aggregate classification (germline): Uncertain significance (1 of 4 stars; one submission).

Conditions:
Hydrocephalus, nonsyndromic, autosomal recessive 1 (HYC1). Also called: Congenital hydrocephalus 1; Hydrocephalus, nonsyndromic, autosomal recessive. Identifiers: Orphanet 2185, MedGen C3887608, MONDO:0009360, OMIM 236600.

Submission:

Myriad Genetics, Inc.
Classification: Uncertain significance for Hydrocephalus, nonsyndromic, autosomal recessive 1. Last evaluated: 2026-08-14. Review status: criteria provided, single submitter. Criteria: Myriad Autosomal Dominant, Autosomal Recessive and X-Linked Classification Criteria (2023). Collection method: clinical testing. Allele origin: unknown.
Comment: NM_001080414.3(CCDC88C):c.859_867del9(L287_L289del) is an in-frame deletion classified as a variant of uncertain significance in the context of congenital hydrocephalus, CCDC88C-related. L287_L289del has not been observed in cases with relevant disease. Relevant functional assessments of this variant are not available in the literature. L287_L289del has not been observed in referenced population frequency databases. In summary, there is insufficient evidence to classify NM_001080414.3(CCDC88C):c.859_867del9(L287_L289del) as pathogenic or benign. Please note: this variant was assessed in the context of healthy population screening.

NM_001080414.4(CCDC88C):c.859_867del (p.Leu287_Leu289del)

Gene: CCDC88C (coiled-coil and HOOK domain protein 88C; minus strand). Cytogenetic location: 14q32.11.
Variant type: Deletion.
Coding change: c.859_867del on transcript NM_001080414.4 (MANE Select); coding-DNA positions 859 to 867, 9 bases deleted (CTGGTGCTG; older notation c.859_867delCTGGTGCTG).
Protein change: p.Leu287_Leu289del.
Molecular consequence: inframe deletion. On other transcripts: non-coding transcript variant (2).
Genome position (GRCh38, 1-based): chr14:91,338,513-91,338,521, CAGCACCAG deleted on the plus strand (CTGGTGCTG on the coding strand, the reverse complement: CCDC88C is on the minus strand); deleting any 9 consecutive bases within chr14:91,338,513-91,338,522 gives the same sequence; the c. name uses the placement nearest the transcript's 3' end. VCF-style (leftmost placement, unchanged base first): chr14-91338512-CCAGCACCAG-C. GRCh37 (hg19) VCF-style: chr14-91804856-CCAGCACCAG-C.
Identifiers: ClinVar variation 5003918 (VCV005003918.1).